The following is an entry in ClinVar:

NM_000051.4(ATM):c.6007-16G>A

Genes: ATM (ATM serine/threonine kinase; plus strand), C11orf65 (chromosome 11 open reading frame 65; minus strand). Cytogenetic location: 11q22.3.
Variant type: single nucleotide variant.
Coding change: c.6007-16G>A on transcript NM_000051.4 (MANE Select); 16 bases into the intron before coding-DNA position 6007, G replaced by A.
Molecular consequence: intron variant.
Genome position (GRCh38, 1-based): chr11:108,315,807, G>A. VCF-style: chr11-108315807-G-A. GRCh37 (hg19) VCF-style: chr11-108186534-G-A.
Other names: c.6007-16G>A (NM_001351834.2); c.641-6736C>T (NM_001330368.2); c.*39-6736C>T (NM_001351110.2).
Identifiers: ClinVar variation 1625001 (VCV001625001.10), dbSNP rs771998564, ClinGen allele CA6265832.

ClinVar aggregate classification (germline): Likely benign. Review status: criteria provided, multiple submitters, no conflicts (2 of 4 stars). 2 submissions from 2 submitters: Likely benign (2). Last evaluated 2024-05-28.

Conditions:
Familial cancer of breast. Also called: BREAST CANCER, FAMILIAL; Hereditary breast cancer; hereditary breast carcinoma. Identifiers: Orphanet 227535, MedGen C0346153, MONDO:0016419, OMIM 114480. Disease mechanism: loss of function.
Ataxia-telangiectasia syndrome (AT). Also called: LOUIS-BAR SYNDROME; Cerebello-oculocutaneous telangiectasia; Immunodeficiency with ataxia telangiectasia; Ataxia telangiectasia (A-T); Ataxia-telangiectasia, complementation group D; AT, COMPLEMENTATION GROUP C. Identifiers: Orphanet 100, MedGen C0004135, MONDO:0008840, OMIM 208900.

Allele frequency attached by ClinVar (database versions not stated): gnomAD exomes below 0.00001; ExAC 0.00001; gnomAD 0.00001.
gnomAD v4.1: 3 of 1,596,858 alleles (0.00019%); highest among the groups gnomAD compares: Admixed American, 0.0033%; no homozygotes.

Submissions (2):

Myriad Genetics, Inc.
Classification: Likely benign for Familial cancer of breast. Last evaluated: 2024-05-28. Review status: criteria provided, single submitter. Criteria: Myriad Autosomal Dominant, Autosomal Recessive and X-Linked Classification Criteria (2023). Collection method: clinical testing. Allele origin: unknown.
Comment: This variant is considered likely benign. This variant is intronic and is not expected to impact mRNA splicing.

Labcorp Genetics (formerly Invitae), Labcorp
Classification: Likely benign for Ataxia-telangiectasia syndrome. Last evaluated: 2024-05-08. Review status: criteria provided, single submitter. Criteria: Invitae Variant Classification Sherloc (09022015). Collection method: clinical testing. Allele origin: germline.